The following is an entry in ClinVar:

NM_003560.4(PLA2G6):c.1610T>G (p.Met537Arg)

Gene: PLA2G6 (phospholipase A2 group VI; minus strand). Cytogenetic location: 22q13.1.
Variant type: single nucleotide variant.
Coding change: c.1610T>G on transcript NM_003560.4 (MANE Select); coding-DNA position 1610, T replaced by G.
Protein change: p.Met537Arg; replaces methionine 537 with arginine.
Molecular consequence: missense variant.
Genome position (GRCh38, 1-based): chr22:38,120,891, A>C on the plus strand (T>G on the coding strand, the complement: PLA2G6 is on the minus strand). VCF-style: chr22-38120891-A-C. GRCh37 (hg19) VCF-style: chr22-38516898-A-C.
Other names: c.1448T>G, p.Met483Arg (NM_001004426.3, NM_001199562.3, NM_001349865.2 and 1 more transcripts); c.1610T>G, p.Met537Arg (NM_001349864.2); c.1076T>G, p.Met359Arg (NM_001349867.2); c.932T>G, p.Met311Arg (NM_001349868.2); c.914T>G, p.Met305Arg (NM_001349869.2); short protein forms M305R, M483R, M311R, M359R, M537R.
Identifiers: ClinVar variation 3572559 (VCV003572559.2).

ClinVar aggregate classification (germline): Likely pathogenic (1 of 4 stars; one submission).

gnomAD v4.1: 1 of 1,613,682 alleles (0.000062%); highest among the groups gnomAD compares: Non-Finnish European, 0.000085%; no homozygotes.

Submission:

GeneDx
Classification: Likely pathogenic. Last evaluated: 2026-03-20. Review status: criteria provided, single submitter. Criteria: GeneDx Variant Classification Process June 2021. Collection method: clinical testing. Allele origin: germline.
Comment: In silico analysis supports that this missense variant has a deleterious effect on protein structure/function; Not observed at significant frequency in large population cohorts (gnomAD); Has not been previously published as pathogenic or benign to our knowledge